The following is an entry in ClinVar:

ClinVar aggregate classification (germline): Likely benign (1 of 4 stars; one submission).

Allele frequency attached by ClinVar (database versions not stated): gnomAD exomes 0.00035; ExAC 0.00061.
gnomAD v4.1: 532 of 1,614,152 alleles (0.033%); highest among the groups gnomAD compares: South Asian, 0.43%; 6 homozygotes.

Submission:

CeGaT Center for Human Genetics Tuebingen
Classification: Likely benign. Last evaluated: 2022-10-01. Review status: criteria provided, single submitter. Criteria: CeGaT Center For Human Genetics Tuebingen Variant Classification Criteria Version 2. Collection method: clinical testing. Allele origin: germline. Affected: yes. Observed: 1 variant allele.
Comment: ZNF544: BP4, BP7

NM_014480.4(ZNF544):c.882G>A (p.Gly294=)

Genes: ZNF544 (zinc finger protein 544; plus strand), ZNF8-DT (ZNF8 divergent transcript; minus strand). Cytogenetic location: 19q13.43.
Variant type: single nucleotide variant.
Coding change: c.882G>A on transcript NM_014480.4 (MANE Select); coding-DNA position 882, G replaced by A.
Protein change: p.Gly294=; no amino-acid change (glycine 294 retained).
Molecular consequence: synonymous variant. On other transcripts: 3 prime UTR variant (9), intron variant (25).
Genome position (GRCh38, 1-based): chr19:58,261,488, G>A. VCF-style: chr19-58261488-G-A. GRCh37 (hg19) VCF-style: chr19-58772854-G-A.
Other names: c.882G>A, p.Gly294= (NM_001320767.2, NM_001320769.2, NM_001387390.1 and 2 more transcripts); c.798G>A, p.Gly266= (NM_001320770.2, NM_001320771.2, NM_001320773.2); c.*619G>A (NM_001320781.2, NM_001320788.2, NM_001320789.2 and 5 more transcripts); c.1044G>A, p.Gly348= (NM_001387410.1, NM_001387413.1); c.822G>A, p.Gly274= (NM_001387415.1); c.*605G>A (NM_001387436.1); c.406+14694G>A (NM_001387416.1); c.244+14694G>A (NM_001387419.1, NM_001387400.1, NM_001387398.1 and 3 more transcripts); and 8 more.
Identifiers: ClinVar variation 2650585 (VCV002650585.24), dbSNP rs201604142, ClinGen allele CA9712556.